The following is an entry in ClinVar:

NM_000748.3(CHRNB2):c.1233G>A (p.Ala411=)

Gene: CHRNB2 (cholinergic receptor nicotinic beta 2 subunit; plus strand). Cytogenetic location: 1q21.3.
Variant type: single nucleotide variant.
Coding change: c.1233G>A on transcript NM_000748.3 (MANE Select); coding-DNA position 1233, G replaced by A.
Protein change: p.Ala411=; no amino-acid change (alanine 411 retained).
Molecular consequence: synonymous variant.
Genome position (GRCh38, 1-based): chr1:154,572,056, G>A. VCF-style: chr1-154572056-G-A. GRCh37 (hg19) VCF-style: chr1-154544532-G-A.
Other names: p.A411A:GCG>GCA; p.Ala411=.
Identifiers: ClinVar variation 136770 (VCV000136770.50), dbSNP rs55857552, ClinGen allele CA232451.

ClinVar aggregate classification (germline): Benign/Likely benign. Review status: criteria provided, multiple submitters, no conflicts (2 of 4 stars). 13 submissions from 13 submitters: Benign (6); Likely benign (4). 3 of the submissions do not count toward it. Last evaluated 2026-09-01.

Conditions:
CHRNB2-related disorder. Also called: CHRNB2-related condition.
Familial sleep-related hypermotor epilepsy. Also called: Autosomal Dominant Sleep-Related Hypermotor (Hyperkinetic) Epilepsy. Identifiers: Orphanet 98784, MedGen C3696898, MONDO:0000030.
Inborn genetic diseases. Identifiers: MedGen C0950123, MeSH D030342.
Autosomal dominant nocturnal frontal lobe epilepsy 3. Also called: CHRNB2-Related Nocturnal Frontal Lobe Epilepsy, Autosomal Dominant. Identifiers: Orphanet 98784, MedGen C1854335, MONDO:0011545, OMIM 605375.

Allele frequency attached by ClinVar (database versions not stated): ESP Exome Variant Server 0.00036; 1000 Genomes Project 0.00080; ExAC 0.00133; 1000 Genomes Project 30x 0.00141; gnomAD exomes 0.00295 and 0.00552; gnomAD 0.00313 and 0.00330; TOPMed 0.00328.
gnomAD v4.1: 8,074 of 1,534,416 alleles (0.53%); highest among the groups gnomAD compares: Non-Finnish European, 0.64%; 21 homozygotes.

Submissions (13):

CeGaT Center for Human Genetics Tuebingen
Classification: Likely benign. Last evaluated: 2026-09-01. Review status: criteria provided, single submitter. Criteria: CeGaT Center For Human Genetics Tuebingen Variant Classification Criteria Version 2. Collection method: clinical testing. Allele origin: germline. Affected: yes. Observed: 24 variant alleles.
Comment: CHRNB2: BP4, BP7, BS2

Labcorp Genetics (formerly Invitae), Labcorp
Classification: Benign. Last evaluated: 2026-02-03. Review status: criteria provided, single submitter. Criteria: Invitae Variant Classification Sherloc (09022015). Collection method: clinical testing. Allele origin: germline.

Blueprint Genetics
Classification: Likely benign. Last evaluated: 2024-11-21. Review status: criteria provided, single submitter. Criteria: ACMG Guidelines, 2015. Collection method: clinical testing. Allele origin: germline.

Athena Diagnostics
Classification: Benign. Last evaluated: 2024-09-16. Review status: criteria provided, single submitter. Criteria: Athena Diagnostics Criteria. Collection method: clinical testing. Allele origin: unknown.

Ambry Genetics
Classification: Benign for Inborn genetic diseases. Last evaluated: 2022-06-30. Review status: criteria provided, single submitter. Criteria: Ambry Variant Classification Scheme 2023. Collection method: clinical testing. Allele origin: germline.

Fulgent Genetics
Classification: Likely benign for Autosomal dominant nocturnal frontal lobe epilepsy 3. Last evaluated: 2021-07-21. Review status: criteria provided, single submitter. Criteria: ACMG Guidelines, 2015. Collection method: clinical testing. Allele origin: unknown.

Mayo Clinic Laboratories, Mayo Clinic
Classification: Benign. Last evaluated: 2021-01-04. Review status: criteria provided, single submitter. Criteria: ACMG Guidelines, 2015. Collection method: clinical testing. Allele origin: germline. Observed: 7 variant alleles.

Eurofins Ntd Llc (ga)
Classification: Benign. Last evaluated: 2017-05-18. Review status: criteria provided, single submitter. Criteria: EGL Classification Definitions 2015. Collection method: clinical testing. Allele origin: germline. Observed: 2 variant alleles, 2 heterozygotes.

GeneDx
Classification: Benign. Last evaluated: 2013-12-12. Review status: criteria provided, single submitter. Criteria: GeneDx Variant Classification (06012015). Collection method: clinical testing. Allele origin: germline. Affected: yes.
Comment: This variant is considered likely benign or benign based on one or more of the following criteria: it is a conservative change, it occurs at a poorly conserved position in the protein, it is predicted to be benign by multiple in silico algorithms, and/or has population frequency not consistent with disease.

Breakthrough Genomics
Classification: Likely benign. Review status: criteria provided, single submitter. Criteria: ACMG Guidelines, 2015. Collection method: not provided. Allele origin: germline. Inheritance: Unknown mechanism. Affected: yes.

PreventionGenetics, part of Exact Sciences
Classification: Likely benign for CHRNB2-related condition. Last evaluated: 2019-07-10. Review status: no assertion criteria provided. Collection method: clinical testing. Allele origin: germline. Not counted in ClinVar's aggregate classification.
Comment: This variant is classified as likely benign based on ACMG/AMP sequence variant interpretation guidelines (Richards et al. 2015 PMID: 25741868, with internal and published modifications).

Diagnostic Laboratory, Department of Genetics, University Medical Center Groningen
Classification: Likely benign for Autosomal dominant nocturnal frontal lobe epilepsy 3. Review status: no assertion criteria provided. Collection method: clinical testing. Allele origin: germline. Affected: yes. Study: VKGL Data-share Consensus. Not counted in ClinVar's aggregate classification.

Genome Diagnostics Laboratory, University Medical Center Utrecht
Classification: Likely benign. Review status: no assertion criteria provided. Collection method: clinical testing. Allele origin: germline. Affected: yes. Study: VKGL Data-share Consensus. Not counted in ClinVar's aggregate classification.